The following is an entry in ClinVar:

ClinVar aggregate classification (germline): Likely benign (0 of 4 stars; one submission).

Conditions:
SKIDA1-related disorder. Also called: SKIDA1-related condition.

Allele frequency attached by ClinVar (database versions not stated): 1000 Genomes Project 30x 0.00016.
gnomAD v4.1: 230 of 1,613,974 alleles (0.014%); highest among the groups gnomAD compares: Middle Eastern, 0.13%; no homozygotes.

Submission:

PreventionGenetics, part of Exact Sciences
Classification: Likely benign for SKIDA1-related condition. Last evaluated: 2019-02-20. Review status: no assertion criteria provided. Collection method: clinical testing. Allele origin: germline.
Comment: This variant is classified as likely benign based on ACMG/AMP sequence variant interpretation guidelines (Richards et al. 2015 PMID: 25741868, with internal and published modifications).

NM_207371.4(SKIDA1):c.2442G>A (p.Glu814=)

Gene: SKIDA1 (SKI/DACH domain containing 1; minus strand). Cytogenetic location: 10p12.31.
Variant type: single nucleotide variant.
Coding change: c.2442G>A on transcript NM_207371.4 (MANE Select); coding-DNA position 2442, G replaced by A.
Protein change: p.Glu814=; no amino-acid change (glutamic acid 814 retained).
Molecular consequence: synonymous variant.
Genome position (GRCh38, 1-based): chr10:21,515,381, C>T on the plus strand (G>A on the coding strand, the complement: SKIDA1 is on the minus strand). VCF-style: chr10-21515381-C-T. GRCh37 (hg19) VCF-style: chr10-21804310-C-T.
Identifiers: ClinVar variation 3058032 (VCV003058032.2), dbSNP rs141939927, ClinGen allele CA5433936.